The following is an entry in ClinVar:

ClinVar aggregate classification (germline): Likely benign (1 of 4 stars; one submission).

Submission:

GeneDx
Classification: Likely benign. Last evaluated: 2018-03-09. Review status: criteria provided, single submitter. Criteria: GeneDx Variant Classification (06012015). Collection method: clinical testing. Allele origin: germline. Affected: yes.
Comment: This variant is considered likely benign or benign based on one or more of the following criteria: it is a conservative change, it occurs at a poorly conserved position in the protein, it is predicted to be benign by multiple in silico algorithms, and/or has population frequency not consistent with disease.

NM_006267.5(RANBP2):c.7850-15dup

Gene: RANBP2 (RAN binding protein 2; plus strand). Cytogenetic location: 2q13.
Variant type: Duplication.
Coding change: c.7850-15dup on transcript NM_006267.5 (MANE Select); 15 bases into the intron before coding-DNA position 7850, one base duplicated (T; older notation c.7850-15dupT).
Molecular consequence: intron variant.
Genome position (GRCh38, 1-based): chr2:108,771,686, T duplicated; the last of 7 consecutive T bases (chr2:108,771,680-108,771,686); duplicating any one gives the same sequence. VCF-style (leftmost placement, unchanged base first): chr2-108771679-A-AT. GRCh37 (hg19) VCF-style: chr2-109388135-A-AT.
Other names: c.7850-15dupT (NM_006267.4).
Identifiers: ClinVar variation 516793 (VCV000516793.1), dbSNP rs573949870, ClinGen allele CA1823685.
Genomic context (GRCh38, chr2:108,771,679, plus strand): 5'-CCATGGTTTTTATTTTCAGTTAGAGTATTAACGTCAATACTTAATACCTTATCTTTGTCA[A>AT]TTTTTTTGACTGGTGTTACAGCAAAAGAGAAGAAAAAACCTGAAGATTCTCCCTCAGATG-3'